The following is an entry in ClinVar:

NM_000245.4(MET):c.4162G>A (p.Glu1388Lys)

Gene: MET (MET proto-oncogene, receptor tyrosine kinase; plus strand). Cytogenetic location: 7q31.2.
Variant type: single nucleotide variant.
Coding change: c.4162G>A on transcript NM_000245.4 (MANE Select); coding-DNA position 4162, G replaced by A.
Protein change: p.Glu1388Lys; replaces glutamic acid 1388 with lysine.
Molecular consequence: missense variant.
Genome position (GRCh38, 1-based): chr7:116,796,113, G>A. VCF-style: chr7-116796113-G-A. GRCh37 (hg19) VCF-style: chr7-116436167-G-A.
Other names: c.4216G>A, p.Glu1406Lys (NM_001127500.3); c.2872G>A, p.Glu958Lys (NM_001324402.2); short protein forms E1388K, E1406K, E958K.
Identifiers: ClinVar variation 1738781 (VCV001738781.8), dbSNP rs1795667792, ClinGen allele CA369118520.

ClinVar aggregate classification (germline): Uncertain significance. Review status: criteria provided, multiple submitters, no conflicts (2 of 4 stars). 3 submissions from 3 submitters: Uncertain significance (3). Last evaluated 2025-06-03.

Conditions:
Hereditary cancer-predisposing syndrome. Also called: Hereditary Cancer Syndrome; Hereditary neoplastic syndrome; Neoplastic Syndromes, Hereditary; Tumor predisposition. Identifiers: Orphanet 140162, MedGen C0027672, MeSH D009386, MONDO:0015356.
Renal cell carcinoma. Identifiers: Orphanet 217071, MedGen C0007134, MeSH D002292, MONDO:0005086, HP:0005584.

Submissions (3):

GeneDx
Classification: Uncertain significance. Last evaluated: 2025-06-03. Review status: criteria provided, single submitter. Criteria: GeneDx Variant Classification Process June 2021. Collection method: clinical testing. Allele origin: germline. Affected: yes.
Comment: Not observed at significant frequency in large population cohorts (gnomAD); In silico analysis suggests that this missense variant does not alter protein structure/function; Has not been previously published as pathogenic or benign to our knowledge

Labcorp Genetics (formerly Invitae), Labcorp
Classification: Uncertain significance for Renal cell carcinoma. Last evaluated: 2022-11-01. Review status: criteria provided, single submitter. Criteria: Invitae Variant Classification Sherloc (09022015). Collection method: clinical testing. Allele origin: germline.
Comment: In summary, the available evidence is currently insufficient to determine the role of this variant in disease. Therefore, it has been classified as a Variant of Uncertain Significance. This sequence change replaces glutamic acid, which is acidic and polar, with lysine, which is basic and polar, at codon 1406 of the MET protein (p.Glu1406Lys). This variant is not present in population databases (gnomAD no frequency). This variant has not been reported in the literature in individuals affected with MET-related conditions. Algorithms developed to predict the effect of missense changes on protein structure and function are either unavailable or do not agree on the potential impact of this missense change (SIFT: "Tolerated"; PolyPhen-2: "Not Available"; Align-GVGD: "Class C0").

Ambry Genetics
Classification: Uncertain significance for Hereditary cancer-predisposing syndrome. Last evaluated: 2020-12-30. Review status: criteria provided, single submitter. Criteria: Ambry Variant Classification Scheme 2023. Collection method: clinical testing. Allele origin: germline.
Comment: The p.E1406K variant (also known as c.4216G>A), located in coding exon 20 of the MET gene, results from a G to A substitution at nucleotide position 4216. The glutamic acid at codon 1406 is replaced by lysine, an amino acid with similar properties. This amino acid position is not well conserved in available vertebrate species. In addition, this alteration is predicted to be tolerated by in silico analysis. Since supporting evidence is limited at this time, the clinical significance of this alteration remains unclear.